The following is an entry in ClinVar:

ClinVar aggregate classification (germline): Uncertain significance (1 of 4 stars; one submission).

Allele frequency attached by ClinVar (database versions not stated): ExAC 0.00001; gnomAD 0.00001; gnomAD exomes 0.00002; TOPMed 0.00002.
gnomAD v4.1: 29 of 1,613,908 alleles (0.0018%); highest among the groups gnomAD compares: African/African-American, 0.0053%; no homozygotes.

Submission:

Labcorp Genetics (formerly Invitae), Labcorp
Classification: Uncertain significance. Last evaluated: 2025-08-30. Review status: criteria provided, single submitter. Criteria: Invitae Variant Classification Sherloc (09022015). Collection method: clinical testing. Allele origin: germline.
Comment: This sequence change replaces arginine, which is basic and polar, with glutamine, which is neutral and polar, at codon 498 of the PPP2R5D protein (p.Arg498Gln). This variant is present in population databases (rs753080336, gnomAD 0.007%). This variant has not been reported in the literature in individuals affected with PPP2R5D-related conditions. ClinVar contains an entry for this variant (Variation ID: 1345641). An algorithm developed to predict the effect of missense changes on protein structure and function (PolyPhen-2) suggests that this variant is likely to be tolerated. In summary, the available evidence is currently insufficient to determine the role of this variant in disease. Therefore, it has been classified as a Variant of Uncertain Significance.

NM_006245.4(PPP2R5D):c.1493G>A (p.Arg498Gln)

Gene: PPP2R5D (protein phosphatase 2 regulatory subunit B'delta; plus strand). Cytogenetic location: 6p21.1.
Variant type: single nucleotide variant.
Coding change: c.1493G>A on transcript NM_006245.4 (MANE Select); coding-DNA position 1493, G replaced by A.
Protein change: p.Arg498Gln; replaces arginine 498 with glutamine.
Molecular consequence: missense variant.
Genome position (GRCh38, 1-based): chr6:43,010,675, G>A. VCF-style: chr6-43010675-G-A. GRCh37 (hg19) VCF-style: chr6-42978413-G-A.
Other names: c.1040G>A, p.Arg347Gln (NM_001270476.2); c.1397G>A, p.Arg466Gln (NM_180976.3); c.1175G>A, p.Arg392Gln (NM_180977.3); short protein forms R466Q, R498Q, R347Q, R392Q.
Identifiers: ClinVar variation 1345641 (VCV001345641.6), dbSNP rs753080336, ClinGen allele CA3812088.